The following is an entry in ClinVar:

NM_002691.4(POLD1):c.1137G>A (p.Gln379=)

Gene: POLD1 (DNA polymerase delta 1, catalytic subunit; plus strand). Cytogenetic location: 19q13.33.
Variant type: single nucleotide variant.
Coding change: c.1137G>A on transcript NM_002691.4 (MANE Select); coding-DNA position 1137, G replaced by A.
Protein change: p.Gln379=; no amino-acid change (glutamine 379 retained).
Molecular consequence: synonymous variant. On other transcripts: non-coding transcript variant (1).
Genome position (GRCh38, 1-based): chr19:50,403,219, G>A. VCF-style: chr19-50403219-G-A. GRCh37 (hg19) VCF-style: chr19-50906476-G-A.
Other names: c.1137G>A, p.Gln379= (NM_001256849.1, NM_001308632.1).
Identifiers: ClinVar variation 1730086 (VCV001730086.5), dbSNP rs2513974296, ClinGen allele CA508182874.

ClinVar aggregate classification (germline): Uncertain significance. Review status: criteria provided, multiple submitters, no conflicts (2 of 4 stars). 2 submissions from 2 submitters: Uncertain significance (2). Last evaluated 2023-05-01.

Conditions:
POLD1-related polyposis and colorectal cancer syndrome (CRCS10). Also called: COLORECTAL CANCER, SUSCEPTIBILITY TO, ON CHROMOSOME 19q; Colorectal cancer 10; Colorectal cancer, susceptibility to, 10. Identifiers: Orphanet 220460, MedGen C2675481, MONDO:0012953, OMIM 612591.
Hereditary cancer-predisposing syndrome. Also called: Neoplastic Syndromes, Hereditary; Tumor predisposition; Hereditary neoplastic syndrome; Hereditary Cancer Syndrome. Identifiers: Orphanet 140162, MedGen C0027672, MeSH D009386, MONDO:0015356.

Submissions (2):

Labcorp Genetics (formerly Invitae), Labcorp
Classification: Uncertain significance for POLD1-related polyposis and colorectal cancer syndrome. Last evaluated: 2023-05-01. Review status: criteria provided, single submitter. Criteria: Invitae Variant Classification Sherloc (09022015). Collection method: clinical testing. Allele origin: germline.
Comment: This variant is not present in population databases (gnomAD no frequency). In summary, the available evidence is currently insufficient to determine the role of this variant in disease. Therefore, it has been classified as a Variant of Uncertain Significance. Variants that disrupt the consensus splice site are a relatively common cause of aberrant splicing (PMID: 17576681, 9536098). Algorithms developed to predict the effect of sequence changes on RNA splicing suggest that this variant may disrupt the consensus splice site. ClinVar contains an entry for this variant (Variation ID: 1730086). This variant has not been reported in the literature in individuals affected with POLD1-related conditions. This sequence change affects codon 379 of the POLD1 mRNA. It is a 'silent' change, meaning that it does not change the encoded amino acid sequence of the POLD1 protein. This variant also falls at the last nucleotide of exon 9, which is part of the consensus splice site for this exon.

Ambry Genetics
Classification: Uncertain significance for Hereditary cancer-predisposing syndrome. Last evaluated: 2022-07-25. Review status: criteria provided, single submitter. Criteria: Ambry Variant Classification Scheme 2023. Collection method: clinical testing. Allele origin: germline.
Comment: The c.1137G>A variant (also known as p.Q379Q) is located in coding exon 8 of the POLD1 gene. This variant results from a G to A substitution at nucleotide position 1137. This nucleotide substitution does not change the glutamine at codon 379. However, this change occurs in the last base pair of coding exon 8, which makes it likely to have some effect on normal mRNA splicing. This nucleotide position is highly conserved in available vertebrate species. In silico splice site analysis predicts that this alteration will weaken the native splice donor site. In addition, loss of function of POLD1 has not been clearly established as a mechanism of disease. Since supporting evidence is limited at this time, the clinical significance of this alteration remains unclear.

Literature cited by the submitters: PubMed 17576681 (cited by Labcorp Genetics (formerly Invitae), Labcorp); PubMed 9536098 (cited by Labcorp Genetics (formerly Invitae), Labcorp).